The following is an entry in ClinVar:

NM_006941.4(SOX10):c.1195_1196del (p.Gln399fs)

Genes: POLR2F (RNA polymerase II, I and III subunit F; plus strand), SOX10 (SRY-box transcription factor 10; minus strand). Cytogenetic location: 22q13.1.
Variant type: Deletion.
Coding change: c.1195_1196del on transcript NM_006941.4 (MANE Select); coding-DNA positions 1195 to 1196, 2 bases deleted (CA; older notation c.1195_1196delCA).
Protein change: p.Gln399fs; shifts the reading frame from glutamine 399.
Molecular consequence: frameshift variant. On other transcripts: intron variant (3).
Genome position (GRCh38, 1-based): chr22:37,973,700-37,973,701, TG deleted on the plus strand (CA on the coding strand, the reverse complement: SOX10 is on the minus strand). VCF-style (leftmost placement, unchanged base first): chr22-37973699-CTG-C. GRCh37 (hg19) VCF-style: chr22-38369706-CTG-C.
Other names: c.*38+1390_*38+1391del (NM_001363825.1); c.293+6530_293+6531del (NM_001301130.2, NM_001301131.2); short protein forms Q399fs.
Identifiers: ClinVar variation 2445675 (VCV002445675.2), dbSNP rs2518041600, ClinGen allele CA2580099757.
Genomic context (GRCh38, chr22:37,973,699, plus strand): 5'-AGAGGCCTGGCCCGAGTGGCCATAATAGGGTCCTGAGGGCTGATGGTCAGAGTAGTCAAA[CTG>C]GGGGCGGGAGATGGAGGGGAAGGCTGAGCCATAGTGGGGCAGGCTGAGGGAGGTGTAGGC-3'

ClinVar aggregate classification (germline): Pathogenic/Likely pathogenic. Review status: criteria provided, multiple submitters, no conflicts (2 of 4 stars). 2 submissions from 2 submitters: Pathogenic (1); Likely pathogenic (1). Last evaluated 2023-02-28.

Conditions:
Waardenburg syndrome type 2E (WS2E). Also called: WAARDENBURG SYNDROME, TYPE 2E, WITH OR WITHOUT NEUROLOGIC INVOLVEMENT; WS2E, WITH OR WITHOUT NEUROLOGIC INVOLVEMENT; HYPOGONADOTROPIC HYPOGONADISM WITH ANOSMIA AND DEAFNESS, WITH OR WITHOUT HYPOPIGMENTATION. Identifiers: Orphanet 3440, MedGen C2700405, MONDO:0012698, OMIM 611584.
SOX10-related disorder. Also called: SOX10-related condition.

Submissions (2):

King Laboratory, University of Washington
Classification: Pathogenic for Waardenburg syndrome type 2E. Last evaluated: 2023-02-28. Review status: criteria provided, single submitter. Criteria: Li et al. (Genet Med. 2022). Collection method: research. Allele origin: maternal. Affected: yes.
Comment: This variant was found in heterozygosity in three siblings and their mother, all with Waardenburg syndrome, in a study of pediatric hearing loss conducted by the King Laboratory (Carlson RJ et al. JAMA-OtoHNS 2023). All affected family members have a similar hearing loss, and the family has no other history of hearing loss. This variant is a 2-base pair deletion that leads to a frameshift which is expected to introduce a premature stop at position 400 of 466 in the SOX10 protein. As of January 2023, this variant has not been reported to ClinVar and is not found on gnomAD. Based on the prediction that this variant results in a truncated protein, co-segregation with the phenotype in the family, and goodness of fit of genotype to phenotype, we conclude that this variant is pathogenic.

Blueprint Genetics
Classification: Likely pathogenic for SOX10-related disorders. Last evaluated: 2021-11-24. Review status: criteria provided, single submitter. Criteria: ACMG Guidelines, 2015. Collection method: clinical testing. Allele origin: germline. Affected: yes. Observed: 1 variant allele.

Literature cited by the submitters: PubMed 36633841 (cited by King Laboratory, University of Washington).